The following is an entry in ClinVar:

ClinVar aggregate classification (germline): Uncertain significance (1 of 4 stars; one submission).

Conditions:
Hereditary sensory and autonomic neuropathy type 7. Also called: Neuropathy, hereditary sensory and autonomic, type VII; HSAN VII. Identifiers: Orphanet 391397, MedGen C3809882, MONDO:0014244, OMIM 615548.
Familial episodic pain syndrome with predominantly lower limb involvement. Also called: Episodic pain syndrome, familial, 3. Identifiers: Orphanet 391384, Orphanet 391392, MedGen C3809899, MONDO:0014247, OMIM 615552.

Submission:

Labcorp Genetics (formerly Invitae), Labcorp
Classification: Uncertain significance for Familial episodic pain syndrome with predominantly lower limb involvement; Hereditary sensory and autonomic neuropathy type 7. Last evaluated: 2023-12-31. Review status: criteria provided, single submitter. Criteria: Invitae Variant Classification Sherloc (09022015). Collection method: clinical testing. Allele origin: germline.
Comment: This sequence change replaces asparagine, which is neutral and polar, with isoleucine, which is neutral and non-polar, at codon 1235 of the SCN11A protein (p.Asn1235Ile). This variant is not present in population databases (gnomAD no frequency). This variant has not been reported in the literature in individuals affected with SCN11A-related conditions. Advanced modeling of protein sequence and biophysical properties (such as structural, functional, and spatial information, amino acid conservation, physicochemical variation, residue mobility, and thermodynamic stability) performed at Invitae indicates that this missense variant is not expected to disrupt SCN11A protein function with a negative predictive value of 80%. In summary, the available evidence is currently insufficient to determine the role of this variant in disease. Therefore, it has been classified as a Variant of Uncertain Significance.

NM_001349253.2(SCN11A):c.3704A>T (p.Asn1235Ile)

Genes: SCN11A (sodium voltage-gated channel alpha subunit 11; minus strand), LOC126806652 (CDK7 strongly-dependent group 2 enhancer GRCh37_chr3:38912374-38913573; plus strand). Cytogenetic location: 3p22.2.
Variant type: single nucleotide variant.
Coding change: c.3704A>T on transcript NM_001349253.2 (MANE Select); coding-DNA position 3704, A replaced by T.
Protein change: p.Asn1235Ile; replaces asparagine 1235 with isoleucine.
Molecular consequence: missense variant.
Genome position (GRCh38, 1-based): chr3:38,871,500, T>A on the plus strand (A>T on the coding strand, the complement: SCN11A is on the minus strand). VCF-style: chr3-38871500-T-A. GRCh37 (hg19) VCF-style: chr3-38912991-T-A.
Other names: c.3704A>T, p.Asn1235Ile (NM_014139.3); short protein forms N1235I.
Identifiers: ClinVar variation 2921864 (VCV002921864.3), dbSNP rs2471029944, ClinGen allele CA352170439.